The following is an entry in ClinVar:

ClinVar aggregate classification (germline): Pathogenic (1 of 4 stars; one submission).

Conditions:
Early-infantile DEE. Also called: Early infantile epileptic encephalopathy with suppression bursts; Early infantile epileptic encephalopathy; Ohtahara syndrome. Identifiers: Orphanet 1934, MedGen C0393706, MONDO:0800491.

Submission:

Labcorp Genetics (formerly Invitae), Labcorp
Classification: Pathogenic for Early-infantile DEE. Last evaluated: 2022-10-17. Review status: criteria provided, single submitter. Criteria: Invitae Variant Classification Sherloc (09022015). Collection method: clinical testing. Allele origin: germline.
Comment: For these reasons, this variant has been classified as Pathogenic. Advanced modeling of protein sequence and biophysical properties (such as structural, functional, and spatial information, amino acid conservation, physicochemical variation, residue mobility, and thermodynamic stability) performed at Invitae indicates that this missense variant is expected to disrupt SCN1A protein function. This missense change has been observed in individual(s) with Dravet syndrome (PMID: 18930999, 31001185, 31009440). In at least one individual the variant was observed to be de novo. This variant is not present in population databases (gnomAD no frequency). This sequence change replaces cysteine, which is neutral and slightly polar, with arginine, which is basic and polar, at codon 277 of the SCN1A protein (p.Cys277Arg).

Literature cited by the submitters: PubMed 18930999; PubMed 31001185; PubMed 31009440.

NM_001165963.4(SCN1A):c.829T>C (p.Cys277Arg)

Gene: SCN1A (sodium voltage-gated channel alpha subunit 1; minus strand). Cytogenetic location: 2q24.3.
Variant type: single nucleotide variant.
Coding change: c.829T>C on transcript NM_001165963.4 (MANE Select); coding-DNA position 829, T replaced by C.
Protein change: p.Cys277Arg; replaces cysteine 277 with arginine.
Molecular consequence: missense variant. On other transcripts: 5 prime UTR variant (1), non-coding transcript variant (1).
Genome position (GRCh38, 1-based): chr2:166,051,854, A>G on the plus strand (T>C on the coding strand, the complement: SCN1A is on the minus strand). VCF-style: chr2-166051854-A-G. GRCh37 (hg19) VCF-style: chr2-166908364-A-G.
Other names: c.829T>C, p.Cys277Arg (NM_001165964.3, NM_001202435.3, NM_001353948.2 and 10 more transcripts); c.-1597T>C (NM_001353961.2); short protein forms C277R.
Identifiers: ClinVar variation 2203200 (VCV002203200.4), dbSNP rs2468223006, ClinGen allele CA349073108.